The following is an entry in ClinVar:

NM_033004.4(NLRP1):c.1988A>G (p.His663Arg)

Gene: NLRP1 (NLR family pyrin domain containing 1; minus strand). Cytogenetic location: 17p13.2.
Variant type: single nucleotide variant.
Coding change: c.1988A>G on transcript NM_033004.4 (MANE Select); coding-DNA position 1988, A replaced by G.
Protein change: p.His663Arg; replaces histidine 663 with arginine.
Molecular consequence: missense variant.
Genome position (GRCh38, 1-based): chr17:5,558,708, T>C on the plus strand (A>G on the coding strand, the complement: NLRP1 is on the minus strand). VCF-style: chr17-5558708-T-C. GRCh37 (hg19) VCF-style: chr17-5462028-T-C.
Other names: c.1988A>G, p.His663Arg (NM_001033053.3, NM_014922.5, NM_033006.4 and 1 more transcripts); short protein forms H663R.
Identifiers: ClinVar variation 4775926 (VCV004775926.1).

ClinVar aggregate classification (germline): Uncertain significance (1 of 4 stars; one submission).

Submission:

Labcorp Genetics (formerly Invitae), Labcorp
Classification: Uncertain significance. Last evaluated: 2025-10-30. Review status: criteria provided, single submitter. Criteria: Invitae Variant Classification Sherloc (09022015). Collection method: clinical testing. Allele origin: germline.
Comment: This sequence change replaces histidine, which is basic and polar, with arginine, which is basic and polar, at codon 663 of the NLRP1 protein (p.His663Arg). This variant is not present in population databases (gnomAD no frequency). This variant has not been reported in the literature in individuals affected with NLRP1-related conditions. An algorithm developed to predict the effect of missense changes on protein structure and function outputs the following: PolyPhen-2: "Benign". The arginine amino acid residue is found in multiple mammalian species, which suggests that this missense change does not adversely affect protein function. In summary, the available evidence is currently insufficient to determine the role of this variant in disease. Therefore, it has been classified as a Variant of Uncertain Significance.